The following is an entry in ClinVar:

NM_005391.5(PDK3):c.974G>T (p.Gly325Val)

Gene: PDK3 (pyruvate dehydrogenase kinase 3; plus strand). Cytogenetic location: Xp22.11.
Variant type: single nucleotide variant.
Coding change: c.974G>T on transcript NM_005391.5 (MANE Select); coding-DNA position 974, G replaced by T.
Protein change: p.Gly325Val; replaces glycine 325 with valine.
Molecular consequence: missense variant.
Genome position (GRCh38, 1-based): chrX:24,531,667, G>T. VCF-style: chrX-24531667-G-T. GRCh37 (hg19) VCF-style: chrX-24549784-G-T.
Other names: c.974G>T, p.Gly325Val (NM_001142386.3); short protein forms G325V.
Identifiers: ClinVar variation 2802404 (VCV002802404.3), dbSNP rs990531239, ClinGen allele CA327706737.
Genomic context (GRCh38, chrX:24,531,667, plus strand): 5'-GTGTTAGCATTTGTGCCTGTCTCACTGTATTAATTTTCTTTTCTCAATAGGCTGGATTTG[G>T]TTATGGTTTGCCAATTTCCCGTCTGTATGCTAGATATTTTCAAGGAGATCTGAAACTGTA-3'
Protein context (NP_005382.1, residues 315-335): PTRAAPLAGF[Gly325Val]YGLPISRLYA

ClinVar aggregate classification (germline): Uncertain significance (1 of 4 stars; one submission).

Conditions:
Charcot-Marie-Tooth disease X-linked dominant 6. Also called: CHARCOT-MARIE-TOOTH NEUROPATHY, X-LINKED DOMINANT, 6. Identifiers: Orphanet 352675, MedGen C3806702, MONDO:0010479, OMIM 300905.

Allele frequency attached by ClinVar (database versions not stated): gnomAD exomes 0.00001; TOPMed 0.00001; gnomAD 0.00002.
gnomAD v4.1: 12 of 1,181,259 alleles (0.001%); highest among the groups gnomAD compares: African/African-American, 0.0035%; no homozygotes.

Submission:

Labcorp Genetics (formerly Invitae), Labcorp
Classification: Uncertain significance for Charcot-Marie-Tooth disease X-linked dominant 6. Last evaluated: 2022-11-11. Review status: criteria provided, single submitter. Criteria: Invitae Variant Classification Sherloc (09022015). Collection method: clinical testing. Allele origin: germline.
Comment: This sequence change replaces glycine, which is neutral and non-polar, with valine, which is neutral and non-polar, at codon 325 of the PDK3 protein (p.Gly325Val). The frequency data for this variant in the population databases is considered unreliable, as metrics indicate poor data quality at this position in the gnomAD database. This variant has not been reported in the literature in individuals affected with PDK3-related conditions. Advanced modeling of protein sequence and biophysical properties (such as structural, functional, and spatial information, amino acid conservation, physicochemical variation, residue mobility, and thermodynamic stability) performed at Invitae indicates that this missense variant is expected to disrupt PDK3 protein function. In summary, the available evidence is currently insufficient to determine the role of this variant in disease. Therefore, it has been classified as a Variant of Uncertain Significance.